The following is an entry in ClinVar:

NM_006031.6(PCNT):c.780G>A (p.Ala260=)

Gene: PCNT (pericentrin; plus strand). Cytogenetic location: 21q22.3.
Variant type: single nucleotide variant.
Coding change: c.780G>A on transcript NM_006031.6 (MANE Select); coding-DNA position 780, G replaced by A.
Protein change: p.Ala260=; no amino-acid change (alanine 260 retained).
Molecular consequence: synonymous variant.
Genome position (GRCh38, 1-based): chr21:46,346,802, G>A. VCF-style: chr21-46346802-G-A. GRCh37 (hg19) VCF-style: chr21-47766716-G-A.
Other names: c.426G>A, p.Ala142= (NM_001315529.2); c.780G>A (NM_006031.5).
Identifiers: ClinVar variation 2902045 (VCV002902045.4), dbSNP rs759573809, ClinGen allele CA10078414.
Genomic context (GRCh38, chr21:46,346,802, plus strand): 5'-GGCCGTGCATGGCCTTGAGCTGGAGGCGCTGCGCCTGAGTCTGAGCAACATGCACACGGC[G>A]CAGCTGGAGCTGACACAGGCCAACCTCCAGAAGGAGAAGGAGACGGCATTGACGGAGCTG-3'
Protein context (NP_006022.3, residues 250-270): LRLSLSNMHT[Ala260=]QLELTQANLQ

ClinVar aggregate classification (germline): Likely benign. Review status: criteria provided, single submitter (1 of 4 stars). 2 submissions from 2 submitters: Likely benign (1). 1 of the submissions does not count toward it. Last evaluated 2023-11-24.

Conditions:
PCNT-related disorder. Also called: PCNT-related condition.

gnomAD v4.1: 18 of 1,600,638 alleles (0.0011%); highest among the groups gnomAD compares: African/African-American, 0.02%; no homozygotes.

Submissions (2):

Labcorp Genetics (formerly Invitae), Labcorp
Classification: Likely benign. Last evaluated: 2023-11-24. Review status: criteria provided, single submitter. Criteria: Invitae Variant Classification Sherloc (09022015). Collection method: clinical testing. Allele origin: germline.

PreventionGenetics, part of Exact Sciences
Classification: Likely benign for PCNT-related condition. Last evaluated: 2024-05-30. Review status: no assertion criteria provided. Collection method: clinical testing. Allele origin: germline. Not counted in ClinVar's aggregate classification.
Comment: This variant is classified as likely benign based on ACMG/AMP sequence variant interpretation guidelines (Richards et al. 2015 PMID: 25741868, with internal and published modifications).